The following is an entry in ClinVar:

NM_001079866.2(BCS1L):c.460+1G>A

Gene: BCS1L (BCS1 ubiquinol-cytochrome c reductase complex chaperone; plus strand). Cytogenetic location: 2q35.
Variant type: single nucleotide variant.
Coding change: c.460+1G>A on transcript NM_001079866.2 (MANE Select); the canonical splice donor site of the intron after coding-DNA position 460, G replaced by A.
Molecular consequence: splice donor variant. On other transcripts: intron variant (6).
Genome position (GRCh38, 1-based): chr2:218,661,546, G>A. VCF-style: chr2-218661546-G-A. GRCh37 (hg19) VCF-style: chr2-219526269-G-A.
Other names: c.460+1G>A (NM_001374085.1, NM_001371446.1, NM_001371450.1 and 10 more transcripts); c.-42+26G>A (NM_001374086.1, NM_001371454.1, NM_001371453.1 and 2 more transcripts); c.100+1G>A (NM_001371451.1, NM_001318836.2); c.-41-213G>A (NM_001371452.1).
Identifiers: ClinVar variation 557129 (VCV000557129.5), dbSNP rs1553596761, ClinGen allele CA350626785.
Genomic context (GRCh38, chr2:218,661,546, plus strand): 5'-CTGTCACCTTCACGGCCCTGGGCACTGACCGAAAGGTTTTCTTCAACATCCTGGAGGAAG[G>A]TGTGGGATGGCACAGGCAGGCTTTCTAGGGACATTGCAGGGATGGGGACATTTGACATCA-3'

ClinVar aggregate classification (germline): Likely pathogenic. Review status: criteria provided, single submitter (1 of 4 stars). 2 submissions from 2 submitters: Likely pathogenic (1). 1 of the submissions does not count toward it. Last evaluated 2023-06-20.

Conditions:
GRACILE syndrome (FLNMS). Also called: FELLMAN SYNDROME; FINNISH LETHAL NEONATAL METABOLIC SYNDROME. Identifiers: Orphanet 53693, MedGen C1864002, MONDO:0011308, OMIM 603358.

Allele frequency attached by ClinVar (database versions not stated): gnomAD exomes below 0.00001.

Submissions (2):

Labcorp Genetics (formerly Invitae), Labcorp
Classification: Likely pathogenic. Last evaluated: 2023-06-20. Review status: criteria provided, single submitter. Criteria: Invitae Variant Classification Sherloc (09022015). Collection method: clinical testing. Allele origin: germline.
Comment: This sequence change affects a donor splice site in intron 4 of the BCS1L gene. It is expected to disrupt RNA splicing. Variants that disrupt the donor or acceptor splice site typically lead to a loss of protein function (PMID: 16199547), and loss-of-function variants in BCS1L are known to be pathogenic (PMID: 12215968, 17314340, 19162478, 19508421, 22277166, 25895478). This variant is not present in population databases (gnomAD no frequency). This variant has not been reported in the literature in individuals affected with BCS1L-related conditions. ClinVar contains an entry for this variant (Variation ID: 557129). Algorithms developed to predict the effect of sequence changes on RNA splicing suggest that this variant may disrupt the consensus splice site. In summary, the currently available evidence indicates that the variant is pathogenic, but additional data are needed to prove that conclusively. Therefore, this variant has been classified as Likely Pathogenic.

Counsyl
Classification: Likely pathogenic for GRACILE syndrome. Last evaluated: 2018-03-08. Review status: no assertion criteria provided. Collection method: clinical testing. Allele origin: unknown. Not counted in ClinVar's aggregate classification.

Literature cited by the submitters: PubMed 16199547 (cited by Labcorp Genetics (formerly Invitae), Labcorp); PubMed 12215968 (cited by Labcorp Genetics (formerly Invitae), Labcorp); PubMed 17314340 (cited by Labcorp Genetics (formerly Invitae), Labcorp); PubMed 19162478 (cited by Labcorp Genetics (formerly Invitae), Labcorp); PubMed 19508421 (cited by Labcorp Genetics (formerly Invitae), Labcorp); PubMed 22277166 (cited by Labcorp Genetics (formerly Invitae), Labcorp); PubMed 25895478 (cited by Labcorp Genetics (formerly Invitae), Labcorp).